The following is an entry in ClinVar:

ClinVar aggregate classification (germline): Pathogenic (1 of 4 stars; one submission).

Submission:

GeneDx
Classification: Pathogenic. Last evaluated: 2023-03-24. Review status: criteria provided, single submitter. Criteria: GeneDx Variant Classification Process June 2021. Collection method: clinical testing. Allele origin: germline. Affected: yes.
Comment: Published functional studies demonstrate a damaging effect as RNA studies demonstrated skipping of exon 8 and rapid degradation of the aberrant RNA (Williams SL et al., 2001); Canonical splice site variant predicted to result in a null allele in a gene for which loss of function is a known mechanism of disease; Not observed at significant frequency in large population cohorts (gnomAD); This variant is associated with the following publications: (PMID: 29715184, 11509016)

NM_003172.4(SURF1):c.823_833+7del

Gene: SURF1 (SURF1 cytochrome c oxidase assembly factor; minus strand). Cytogenetic location: 9q34.2.
Variant type: Deletion.
Coding change: c.823_833+7del on transcript NM_003172.4 (MANE Select); coding-DNA position 823 through 7 bases into the intron after coding-DNA position 833, 18 bases deleted (ATCGTGACCTGGTGAGTC).
Molecular consequence: splice donor variant.
Genome position (GRCh38, 1-based): chr9:133,352,054-133,352,071, GACTCACCAGGTCACGAT deleted on the plus strand (ATCGTGACCTGGTGAGTC on the coding strand, the reverse complement: SURF1 is on the minus strand); deleting any 18 consecutive bases within chr9:133,352,054-133,352,072 gives the same sequence; the c. name uses the placement nearest the transcript's 3' end. VCF-style (leftmost placement, unchanged base first): chr9-133352053-GGACTCACCAGGTCACGAT-G. GRCh37 (hg19) VCF-style: chr9-136218908-GGACTCACCAGGTCACGAT-G.
Other names: c.496_506+7del (NM_001280787.1).
Identifiers: ClinVar variation 2581788 (VCV002581788.1), dbSNP rs2490613319, ClinGen allele CA2559509611.